The following is an entry in ClinVar:

ClinVar aggregate classification (germline): Uncertain significance (1 of 4 stars; one submission).

Allele frequency attached by ClinVar (database versions not stated): TOPMed below 0.00001; gnomAD exomes 0.00001.
gnomAD v4.1: 10 of 1,611,630 alleles (0.00062%); highest among the groups gnomAD compares: Non-Finnish European, 0.00025%; no homozygotes.

Submission:

Labcorp Genetics (formerly Invitae), Labcorp
Classification: Uncertain significance. Last evaluated: 2024-10-21. Review status: criteria provided, single submitter. Criteria: Invitae Variant Classification Sherloc (09022015). Collection method: clinical testing. Allele origin: germline.
Comment: This sequence change replaces cysteine, which is neutral and slightly polar, with glycine, which is neutral and non-polar, at codon 210 of the GATA5 protein (p.Cys210Gly). This variant is present in population databases (no rsID available, gnomAD 0.03%). This missense change has been observed in individual(s) with atrial fibrillation (PMID: 23295592). Invitae Evidence Modeling of protein sequence and biophysical properties (such as structural, functional, and spatial information, amino acid conservation, physicochemical variation, residue mobility, and thermodynamic stability) indicates that this missense variant is expected to disrupt GATA5 protein function with a positive predictive value of 80%. Experimental studies have shown that this missense change affects GATA5 function (PMID: 23295592). In summary, the available evidence is currently insufficient to determine the role of this variant in disease. Therefore, it has been classified as a Variant of Uncertain Significance.

Literature cited by the submitters: PubMed 23295592.

NM_080473.5(GATA5):c.628T>G (p.Cys210Gly)

Gene: GATA5 (GATA binding protein 5; minus strand). Cytogenetic location: 20q13.33.
Variant type: single nucleotide variant.
Coding change: c.628T>G on transcript NM_080473.5 (MANE Select); coding-DNA position 628, T replaced by G.
Protein change: p.Cys210Gly; replaces cysteine 210 with glycine.
Molecular consequence: missense variant.
Genome position (GRCh38, 1-based): chr20:62,473,474, A>C on the plus strand (T>G on the coding strand, the complement: GATA5 is on the minus strand). VCF-style: chr20-62473474-A-C. GRCh37 (hg19) VCF-style: chr20-61048530-A-C.
Other names: short protein forms C210G.
Identifiers: ClinVar variation 2736978 (VCV002736978.3), dbSNP rs997414695, ClinGen allele CA317288122.
Genomic context (GRCh38, chr20:62,473,474, plus strand): 5'-GAGGCCGAACGAGCGGCCGGTTGACGCCATTCATCTTGTGGTAGAGGCCGCAGGCATTGC[A>C]CAGGTAGTGGCCGGTGCCGTCTCGGCGCCACAGCGGTGTGGACAGGGCCCCGCAGTTGAC-3'
Protein context (NP_536721.1, residues 200-220): WRRDGTGHYL[Cys210Gly]NACGLYHKMN